The following is an entry in ClinVar:

NM_014251.3(SLC25A13):c.1378_1379delinsTA (p.Gly460Ter)

Gene: SLC25A13 (solute carrier family 25 member 13; minus strand). Cytogenetic location: 7q21.3.
Variant type: Indel.
Coding change: c.1378_1379delinsTA on transcript NM_014251.3 (MANE Select); coding-DNA positions 1378 to 1379, GG replaced by TA.
Protein change: p.Gly460Ter; replaces glycine 460 with a stop codon.
Molecular consequence: nonsense. On other transcripts: non-coding transcript variant (1).
Genome position (GRCh38, 1-based): chr7:96,146,629-96,146,630, CC replaced by TA on the plus strand (GG replaced by TA on the coding strand, the reverse complement: SLC25A13 is on the minus strand). VCF-style: chr7-96146629-CC-TA. GRCh37 (hg19) VCF-style: chr7-95775941-CC-TA.
Other names: c.1381_1382delinsTA, p.Gly461Ter (NM_001160210.2); short protein forms G460*, G461*.
Identifiers: ClinVar variation 4815630 (VCV004815630.1).

ClinVar aggregate classification (germline): Likely pathogenic (1 of 4 stars; one submission).

Conditions:
Citrullinemia. Identifiers: Orphanet 187, MedGen C0175683, MONDO:0015991.

Submission:

Natera, Inc.
Classification: Likely pathogenic for Citrullinemia. Last evaluated: 2025-05-04. Review status: criteria provided, single submitter. Criteria: Natera Variant Classification Schema (03/2026). Collection method: clinical testing. Allele origin: germline.
Comment: The c.1378_1379delinsTA variant in SLC25A13 is a deletion-insertion (delins) variant predicted to replace one or more nucleotides with a different sequence. This variant is expected to result in nonsense mediated decay, truncation, or a dysfunctional protein product. This variant is rare in the general population with a frequency below the threshold expected for the associated phenotype(s). Given the available evidence, this variant is classified as Likely Pathogenic.